The following is an entry in ClinVar:

NM_025114.4(CEP290):c.3215G>A (p.Arg1072Gln)

Gene: CEP290 (centrosomal protein 290; minus strand). Cytogenetic location: 12q21.32.
Variant type: single nucleotide variant.
Coding change: c.3215G>A on transcript NM_025114.4 (MANE Select); coding-DNA position 3215, G replaced by A.
Protein change: p.Arg1072Gln; replaces arginine 1072 with glutamine.
Molecular consequence: missense variant.
Genome position (GRCh38, 1-based): chr12:88,093,864, C>T on the plus strand (G>A on the coding strand, the complement: CEP290 is on the minus strand). VCF-style: chr12-88093864-C-T. GRCh37 (hg19) VCF-style: chr12-88487641-C-T.
Other names: short protein forms R1072Q.
Identifiers: ClinVar variation 939514 (VCV000939514.7), dbSNP rs1298561837, ClinGen allele CA386006144.

ClinVar aggregate classification (germline): Uncertain significance. Review status: criteria provided, multiple submitters, no conflicts (2 of 4 stars). 4 submissions from 4 submitters: Uncertain significance (3). 1 of the submissions does not count toward it. Last evaluated 2026-03-24.

Conditions:
Inborn genetic diseases. Identifiers: MedGen C0950123, MeSH D030342.
Leber congenital amaurosis (LCA). Also called: Leber's amaurosis. Identifiers: Orphanet 65, MedGen C0339527, MeSH D057130, MONDO:0018998.
CEP290-related disorder. Also called: CEP290-related condition; CEP290-related disorders. Identifiers: MedGen CN239314.
Nephronophthisis. Also called: Juvenile Nephronophthisis. Identifiers: Orphanet 655, MedGen C0687120, MONDO:0019005, HP:0000090.
Meckel-Gruber syndrome. Also called: DYSENCEPHALIA SPLANCHNOCYSTICA; Dysencephalia splachnocystica; GRUBER SYNDROME. Identifiers: Orphanet 564, MedGen C0265215, MONDO:0018921.
Joubert syndrome. Also called: Familial aplasia of the vermis; JOUBERT-BOLTSHAUSER SYNDROME. Identifiers: Orphanet 475, MedGen C5979921, MONDO:0018772.

Allele frequency attached by ClinVar (database versions not stated): 1000 Genomes Project 30x 0.00016; gnomAD exomes below 0.00001 and 0.00001; gnomAD 0.00001; TOPMed 0.00001.
gnomAD v4.1: 9 of 1,612,698 alleles (0.00056%); highest among the groups gnomAD compares: South Asian, 0.0033%; no homozygotes.

Submissions (4):

PreventionGenetics, part of Exact Sciences
Classification: Uncertain significance for CEP290-related condition. Last evaluated: 2026-03-24. Review status: criteria provided, single submitter. Criteria: ACMG Guidelines, 2015. Collection method: clinical testing. Allele origin: germline.
Comment: The CEP290 c.3215G>A variant is predicted to result in the amino acid substitution p.Arg1072Gln. To our knowledge, this variant has not been reported in the literature. This variant is reported in 0.00089% of alleles in individuals of European (Non-Finnish) descent in gnomAD. At this time, the clinical significance of this variant is uncertain due to the absence of conclusive functional and genetic evidence.

Ambry Genetics
Classification: Uncertain significance for Inborn genetic diseases. Last evaluated: 2025-12-03. Review status: criteria provided, single submitter. Criteria: Ambry Variant Classification Scheme 2023. Collection method: clinical testing. Allele origin: germline.

Labcorp Genetics (formerly Invitae), Labcorp
Classification: Uncertain significance for Joubert syndrome; Meckel-Gruber syndrome; Nephronophthisis. Last evaluated: 2025-07-21. Review status: criteria provided, single submitter. Criteria: Invitae Variant Classification Sherloc (09022015). Collection method: clinical testing. Allele origin: germline.
Comment: This sequence change replaces arginine, which is basic and polar, with glutamine, which is neutral and polar, at codon 1072 of the CEP290 protein (p.Arg1072Gln). This variant is present in population databases (no rsID available, gnomAD 0.002%). This variant has not been reported in the literature in individuals affected with CEP290-related conditions. ClinVar contains an entry for this variant (Variation ID: 939514). Invitae Evidence Modeling of protein sequence and biophysical properties (such as structural, functional, and spatial information, amino acid conservation, physicochemical variation, residue mobility, and thermodynamic stability) indicates that this missense variant is expected to disrupt CEP290 protein function with a positive predictive value of 80%. In summary, the available evidence is currently insufficient to determine the role of this variant in disease. Therefore, it has been classified as a Variant of Uncertain Significance.

Natera, Inc.
Classification: Uncertain significance for Leber congenital amaurosis. Last evaluated: 2020-08-24. Review status: no assertion criteria provided. Collection method: clinical testing. Allele origin: germline. Not counted in ClinVar's aggregate classification.